The following is an entry in ClinVar:

ClinVar aggregate classification (germline): Pathogenic (1 of 4 stars; one submission).

Conditions:
Zellweger spectrum disorders (ZS). Also called: Zellweger syndrome; Zellweger Spectrum Disorder; Zellweger Spectrum; Zellweger Spectrum Disorder (ZSD). Identifiers: Orphanet 912, MedGen C0043459, MONDO:0019609.

Submission:

Labcorp Genetics (formerly Invitae), Labcorp
Classification: Pathogenic for Zellweger spectrum disorders. Last evaluated: 2023-02-24. Review status: criteria provided, single submitter. Criteria: Invitae Variant Classification Sherloc (09022015). Collection method: clinical testing. Allele origin: germline.
Comment: This variant has not been reported in the literature in individuals affected with PEX1-related conditions. This variant is not present in population databases (gnomAD no frequency). For these reasons, this variant has been classified as Pathogenic. This sequence change creates a premature translational stop signal (p.Arg577Alafs*7) in the PEX1 gene. It is expected to result in an absent or disrupted protein product. Loss-of-function variants in PEX1 are known to be pathogenic (PMID: 9398847, 16086329, 16141001, 21031596, 26387595, 31831025).

Literature cited by the submitters: PubMed 9398847; PubMed 16086329; PubMed 16141001; PubMed 21031596; PubMed 26387595; PubMed 31831025.

NM_000466.3(PEX1):c.1728del (p.Arg577fs)

Gene: PEX1 (peroxisomal biogenesis factor 1; minus strand). Cytogenetic location: 7q21.2.
Variant type: Deletion.
Coding change: c.1728del on transcript NM_000466.3 (MANE Select); coding-DNA position 1728, one base deleted (A; older notation c.1728delA).
Protein change: p.Arg577fs; shifts the reading frame from arginine 577.
Molecular consequence: frameshift variant.
Genome position (GRCh38, 1-based): chr7:92,507,069, T deleted on the plus strand (A on the coding strand, the reverse complement: PEX1 is on the minus strand). VCF-style (leftmost placement, unchanged base first): chr7-92507068-GT-G. GRCh37 (hg19) VCF-style: chr7-92136382-GT-G.
Other names: c.1728del, p.Arg577fs (NM_001282677.2); c.1104del, p.Arg369fs (NM_001282678.2); short protein forms R577fs, R369fs.
Identifiers: ClinVar variation 2840441 (VCV002840441.3), dbSNP rs2484676419, ClinGen allele CA2739265490.